The following is an entry in ClinVar:

NM_000057.4(BLM):c.98C>T (p.Ser33Leu)

Gene: BLM (BLM RecQ like helicase; plus strand). Cytogenetic location: 15q26.1.
Variant type: single nucleotide variant.
Coding change: c.98C>T on transcript NM_000057.4 (MANE Select); coding-DNA position 98, C replaced by T.
Protein change: p.Ser33Leu; replaces serine 33 with leucine.
Molecular consequence: missense variant. On other transcripts: 5 prime UTR variant (1).
Genome position (GRCh38, 1-based): chr15:90,747,490, C>T. VCF-style: chr15-90747490-C-T. GRCh37 (hg19) VCF-style: chr15-91290720-C-T.
Other names: c.98C>T (LRG_20t1); c.98C>T, p.Ser33Leu (NM_001287246.2, NM_001287247.2); c.-1194C>T (NM_001287248.2); short protein forms S33L.
Identifiers: ClinVar variation 133703 (VCV000133703.20), dbSNP rs139282091, ClinGen allele CA157400.

ClinVar aggregate classification (germline): Uncertain significance. Review status: criteria provided, multiple submitters, no conflicts (2 of 4 stars). 6 submissions from 6 submitters: Uncertain significance (4). 2 of the submissions do not count toward it. Last evaluated 2025-01-03.

Conditions:
Hereditary cancer-predisposing syndrome. Also called: Tumor predisposition; Hereditary neoplastic syndrome; Neoplastic Syndromes, Hereditary; Hereditary Cancer Syndrome. Identifiers: Orphanet 140162, MedGen C0027672, MeSH D009386, MONDO:0015356.
Bloom syndrome (BLM). Also called: Bloom-Torre-Machacek syndrome. Identifiers: Orphanet 125, MedGen C0005859, MONDO:0008876, OMIM 210900.

Allele frequency attached by ClinVar (database versions not stated): ExAC 0.00001; gnomAD exomes 0.00001 and 0.00002; TOPMed 0.00002; gnomAD 0.00004; 1000 Genomes Project 30x 0.00016; 1000 Genomes Project 0.00020.
gnomAD v4.1: 22 of 1,592,964 alleles (0.0014%); highest among the groups gnomAD compares: African/African-American, 0.004%; no homozygotes.

Submissions (6):

Quest Diagnostics Nichols Institute San Juan Capistrano
Classification: Uncertain significance. Last evaluated: 2025-01-03. Review status: criteria provided, single submitter. Criteria: Quest Diagnostics criteria. Collection method: clinical testing. Allele origin: unknown.
Comment: The BLM c.98C>T (p.Ser33Leu) variant has been identified in reportedly healthy individuals (PMID: 24728327 (2014)). The frequency of this variant in the general population (Genome Aggregation Database) is uninformative in the assessment of its pathogenicity. Analysis of this variant using bioinformatics tools for the prediction of the effect of amino acid changes on protein structure and function yielded predictions that this variant is benign. Based on the available information, we are unable to determine the clinical significance of this variant.

Labcorp Genetics (formerly Invitae), Labcorp
Classification: Uncertain significance for Bloom syndrome. Last evaluated: 2024-11-24. Review status: criteria provided, single submitter. Criteria: Invitae Variant Classification Sherloc (09022015). Collection method: clinical testing. Allele origin: germline.
Comment: This sequence change replaces serine, which is neutral and polar, with leucine, which is neutral and non-polar, at codon 33 of the BLM protein (p.Ser33Leu). This variant is present in population databases (rs139282091, gnomAD 0.005%). This variant has not been reported in the literature in individuals affected with BLM-related conditions. ClinVar contains an entry for this variant (Variation ID: 133703). An algorithm developed to predict the effect of missense changes on protein structure and function outputs the following: PolyPhen-2: "Benign". The leucine amino acid residue is found in multiple mammalian species, which suggests that this missense change does not adversely affect protein function. RNA analysis performed to evaluate the impact of this missense change on mRNA splicing indicates it does not significantly alter splicing (internal data). In summary, the available evidence is currently insufficient to determine the role of this variant in disease. Therefore, it has been classified as a Variant of Uncertain Significance.

Ambry Genetics
Classification: Uncertain significance for Hereditary cancer-predisposing syndrome. Last evaluated: 2023-05-02. Review status: criteria provided, single submitter. Criteria: Ambry Variant Classification Scheme 2023. Collection method: clinical testing. Allele origin: germline.
Comment: The p.S33L variant (also known as c.98C>T), located in coding exon 1 of the BLM gene, results from a C to T substitution at nucleotide position 98. The amino acid change results in serine to leucine at codon 33, an amino acid with dissimilar properties. This amino acid position is not well conserved in available vertebrate species. In addition, this alteration is predicted to be tolerated by in silico analysis. Since supporting evidence is limited at this time, the clinical significance of this alteration remains unclear.

Institute for Clinical Genetics, University Hospital TU Dresden, University Hospital TU Dresden
Classification: Uncertain significance. Last evaluated: 2021-11-03. Review status: criteria provided, single submitter. Criteria: ACMG Guidelines, 2015. Collection method: clinical testing. Allele origin: germline.

Natera, Inc.
Classification: Uncertain significance for Bloom syndrome. Last evaluated: 2018-11-17. Review status: no assertion criteria provided. Collection method: clinical testing. Allele origin: germline. Not counted in ClinVar's aggregate classification.

ITMI
No classification provided. Condition: AllHighlyPenetrant. Last evaluated: 2013-09-19. Review status: no classification provided. Collection method: reference population. Allele origin: germline. Not counted in ClinVar's aggregate classification.
Comment: Please see associated publication for description of ethnicities

Literature cited by the submitters: PubMed 24728327 (cited by 3 submitters).